The following is an entry in ClinVar:

NM_000271.5(NPC1):c.2476T>C (p.Ser826Pro)

Gene: NPC1 (NPC intracellular cholesterol transporter 1; minus strand). Cytogenetic location: 18q11.2.
Variant type: single nucleotide variant.
Coding change: c.2476T>C on transcript NM_000271.5 (MANE Select); coding-DNA position 2476, T replaced by C.
Protein change: p.Ser826Pro; replaces serine 826 with proline.
Molecular consequence: missense variant.
Genome position (GRCh38, 1-based): chr18:23,541,106, A>G on the plus strand (T>C on the coding strand, the complement: NPC1 is on the minus strand). VCF-style: chr18-23541106-A-G. GRCh37 (hg19) VCF-style: chr18-21121070-A-G.
Other names: short protein forms S826P.
Identifiers: ClinVar variation 1358843 (VCV001358843.9), dbSNP rs2145380651, ClinGen allele CA401793342.

ClinVar aggregate classification (germline): Uncertain significance. Review status: criteria provided, multiple submitters, no conflicts (2 of 4 stars). 2 submissions from 2 submitters: Uncertain significance (2). Last evaluated 2022-07-19.

Conditions:
Niemann-Pick disease, type C1. Also called: NEUROVISCERAL STORAGE DISEASE WITH VERTICAL SUPRANUCLEAR OPHTHALMOPLEGIA; NIEMANN-PICK DISEASE WITH CHOLESTEROL ESTERIFICATION BLOCK; NIEMANN-PICK DISEASE WITHOUT SPHINGOMYELINASE DEFICIENCY; NIEMANN-PICK DISEASE, CHRONIC NEURONOPATHIC FORM; NIEMANN-PICK DISEASE, VARIANT TYPE C1. Identifiers: Orphanet 646, MedGen C3179455, MONDO:0009757, OMIM 257220.

Submissions (2):

Labcorp Genetics (formerly Invitae), Labcorp
Classification: Uncertain significance for Niemann-Pick disease, type C1. Last evaluated: 2022-07-19. Review status: criteria provided, single submitter. Criteria: Invitae Variant Classification Sherloc (09022015). Collection method: clinical testing. Allele origin: germline.
Comment: In summary, the available evidence is currently insufficient to determine the role of this variant in disease. Therefore, it has been classified as a Variant of Uncertain Significance. Algorithms developed to predict the effect of missense changes on protein structure and function are either unavailable or do not agree on the potential impact of this missense change (SIFT: "Tolerated"; PolyPhen-2: "Possibly Damaging"; Align-GVGD: "Class C0"). ClinVar contains an entry for this variant (Variation ID: 1358843). This variant has not been reported in the literature in individuals affected with NPC1-related conditions. This variant is not present in population databases (gnomAD no frequency). This sequence change replaces serine, which is neutral and polar, with proline, which is neutral and non-polar, at codon 826 of the NPC1 protein (p.Ser826Pro).

Fulgent Genetics
Classification: Uncertain significance for Niemann-Pick disease, type C1. Last evaluated: 2021-12-06. Review status: criteria provided, single submitter. Criteria: ACMG Guidelines, 2015. Collection method: clinical testing. Allele origin: unknown.